The following is an entry in ClinVar:

ClinVar aggregate classification (germline): Pathogenic/Likely pathogenic. Review status: criteria provided, multiple submitters, no conflicts (2 of 4 stars). 3 submissions from 3 submitters: Pathogenic (1); Likely pathogenic (1). 1 of the submissions does not count toward it. Last evaluated 2025-07-29.

Conditions:
Familial thoracic aortic aneurysm and aortic dissection (TAAD). Also called: Thoracic aortic aneurysms and dissections. Identifiers: Orphanet 91387, MedGen C4707243, MONDO:0019625.
Aneurysm-osteoarthritis syndrome. Also called: Loeys-Dietz syndrome, type 1C; LOEYS-DIETZ SYNDROME WITH OSTEOARTHRITIS; SMAD3-Related Loeys-Dietz Syndrome; ANEURYSMS-OSTEOARTHRITIS SYNDROME. Identifiers: Orphanet 284984, MedGen C3151087, MONDO:0013426, OMIM 613795.

Submissions (3):

Labcorp Genetics (formerly Invitae), Labcorp
Classification: Pathogenic for Familial thoracic aortic aneurysm and aortic dissection. Last evaluated: 2025-07-29. Review status: criteria provided, single submitter. Criteria: Invitae Variant Classification Sherloc (09022015). Collection method: clinical testing. Allele origin: germline.
Comment: This sequence change affects the initiator codon of the SMAD3 mRNA. This change may impact translation initiation or efficiency. The next in-frame methionine is located at codon 106. This variant is not present in population databases (gnomAD no frequency). Disruption of the initiator codon has been observed in individuals with thoracic aortic aneurysm and/or dissection (PMID: 29907982, 33125268; internal data). ClinVar contains an entry for this variant (Variation ID: 930360). This variant disrupts a region of the SMAD3 protein in which other variant(s) (p.Arg74Trp) have been determined to be pathogenic (PMID: 29510914, 31096651; internal data). This suggests that this is a clinically significant region of the protein, and that variants that disrupt it are likely to be disease-causing. For these reasons, this variant has been classified as Pathogenic.

Centre for Mendelian Genomics, University Medical Centre Ljubljana
Classification: Likely pathogenic for Aneurysm-osteoarthritis syndrome. Last evaluated: 2016-01-01. Review status: criteria provided, single submitter. Criteria: ACMG Guidelines, 2015. Collection method: clinical testing. Allele origin: unknown. Affected: yes.
Comment: This variant was classified as: Likely pathogenic. The following ACMG criteria were applied in classifying this variant: PS1,PM2.

deCODE genetics, Amgen
Classification: Likely pathogenic for Aneurysm-osteoarthritis syndrome. Last evaluated: 2023-07-21. Review status: no assertion criteria provided. Collection method: research. Allele origin: germline. Affected: yes. Observed: 2 variant alleles. Not counted in ClinVar's aggregate classification.
Comment: The variant NM_005902.4:c.1A>T (chr15:67066155) in SMAD3 was detected in 2 heterozygotes out of 58K WGS Icelanders (MAF= 0,002%). This variant has been reported in ClinVar previously as likely pathogenic. Based on ACMG criteria (PVS1, PP5) this variant classifies as likely pathogenic.

Literature cited by the submitters: PubMed 29907982 (cited by Labcorp Genetics (formerly Invitae), Labcorp); PubMed 33125268 (cited by Labcorp Genetics (formerly Invitae), Labcorp); PubMed 29510914 (cited by Labcorp Genetics (formerly Invitae), Labcorp); PubMed 31096651 (cited by Labcorp Genetics (formerly Invitae), Labcorp).

NM_005902.4(SMAD3):c.1A>T (p.Met1Leu)

Genes: SMAD3 (SMAD family member 3; plus strand), LOC130057352 (ATAC-STARR-seq lymphoblastoid silent region 6574; plus strand). Cytogenetic location: 15q22.33.
Variant type: single nucleotide variant.
Coding change: c.1A>T on transcript NM_005902.4 (MANE Select); coding-DNA position 1, A replaced by T.
Protein change: p.Met1Leu; changes the start codon (methionine 1).
Molecular consequence: missense variant, initiator codon variant.
Genome position (GRCh38, 1-based): chr15:67,066,155, A>T. VCF-style: chr15-67066155-A-T. GRCh37 (hg19) VCF-style: chr15-67358493-A-T.
Other names: short protein forms M1L.
Identifiers: ClinVar variation 930360 (VCV000930360.26), dbSNP rs1555405092, ClinGen allele CA393202667.